The following is an entry in ClinVar:

NM_000133.4(F9):c.470G>A (p.Cys157Tyr)

Gene: F9 (coagulation factor IX; plus strand). Cytogenetic location: Xq27.1.
Variant type: single nucleotide variant.
Coding change: c.470G>A on transcript NM_000133.4 (MANE Select); coding-DNA position 470, G replaced by A.
Protein change: p.Cys157Tyr; replaces cysteine 157 with tyrosine.
Molecular consequence: missense variant.
Genome position (GRCh38, 1-based): chrX:139,548,441, G>A. VCF-style: chrX-139548441-G-A. GRCh37 (hg19) VCF-style: chrX-138630600-G-A.
Other names: c.356G>A, p.Cys119Tyr (NM_001313913.2); short protein forms C119Y, C157Y.
Identifiers: ClinVar variation 4688845 (VCV004688845.1).
Genomic context (GRCh38, chrX:139,548,441, plus strand): 5'-AGAATGGCAGATGCGAGCAGTTTTGTAAAAATAGTGCTGATAACAAGGTGGTTTGCTCCT[G>A]TACTGAGGGATATCGACTTGCAGAAAACCAGAAGTCCTGTGAACCAGCAGGTCATAATCT-3'
Protein context (NP_000124.1, residues 147-167): NSADNKVVCS[Cys157Tyr]TEGYRLAENQ

ClinVar aggregate classification (germline): Pathogenic (1 of 4 stars; one submission).

Conditions:
Hereditary factor IX deficiency disease (HEMB). Also called: F9 DEFICIENCY; FACTOR IX DEFICIENCY; PLASMA THROMBOPLASTIN COMPONENT DEFICIENCY; Hemophilia B; Christmas Disease. Identifiers: Orphanet 98879, MedGen C0008533, MeSH D002836, MONDO:0010604, OMIM 306900.

Submission:

Women's Health and Genetics/Laboratory Corporation of America, LabCorp
Classification: Pathogenic for Hereditary factor IX deficiency disease. Last evaluated: 2025-12-24. Review status: criteria provided, single submitter. Criteria: LabCorp Variant Classification Summary - May 2015. Collection method: clinical testing. Allele origin: germline.
Comment: Variant summary: F9 c.470G>A (p.Cys157Tyr) results in a non-conservative amino acid change in the encoded protein sequence. Algorithms developed to predict the effect of missense changes on protein structure and function all suggest that this variant is likely to be disruptive. The variant was absent in 183098 control chromosomes. c.470G>A has been observed in multiple individuals affected with mild, moderate and severe Factor IX Deficiency and in at least 1 individual, this variant has been reported as a de novo change (Hemophilia B) (Jaloma-Cruz_2000, Kulkarni_2021). These data indicate that the variant is very likely to be associated with disease. At least one publication reports experimental evidence evaluating an impact on protein function, however, does not allow convincing conclusions about the variant effect. The following publications have been ascertained in the context of this evaluation (PMID: 19699296, 10612837, 34880139). No submitters have cited clinical-significance assessments for this variant to ClinVar. Based on the evidence outlined above, the variant was classified as pathogenic.

Literature cited by the submitters: PubMed 19699296; PubMed 10612837; PubMed 34880139.